The following is an entry in ClinVar:

ClinVar aggregate classification (germline): Pathogenic (1 of 4 stars; one submission).

Conditions:
Nephronophthisis 15 (NPHP15). Identifiers: Orphanet 3156, MedGen C3541853, MONDO:0013917, OMIM 614845.

Submission:

Labcorp Genetics (formerly Invitae), Labcorp
Classification: Pathogenic for Nephronophthisis 15. Last evaluated: 2023-08-31. Review status: criteria provided, single submitter. Criteria: Invitae Variant Classification Sherloc (09022015). Collection method: clinical testing. Allele origin: germline.
Comment: This variant is not present in population databases (gnomAD no frequency). This variant has not been reported in the literature in individuals affected with CEP164-related conditions. For these reasons, this variant has been classified as Pathogenic. This sequence change creates a premature translational stop signal (p.Leu30*) in the CEP164 gene. It is expected to result in an absent or disrupted protein product. Loss-of-function variants in CEP164 are known to be pathogenic (PMID: 22863007, 28125082, 32367404, 34132027, 34499853).

Literature cited by the submitters: PubMed 22863007; PubMed 28125082; PubMed 32367404; PubMed 34132027; PubMed 34499853.

NM_014956.5(CEP164):c.88_89del (p.Ile29_Leu30insTer)

Gene: CEP164 (centrosomal protein 164; plus strand). Cytogenetic location: 11q23.3.
Variant type: Deletion.
Coding change: c.88_89del on transcript NM_014956.5 (MANE Select); coding-DNA positions 88 to 89, 2 bases deleted (CT; older notation c.88_89delCT).
Protein change: p.Ile29_Leu30insTer.
Molecular consequence: nonsense.
Genome position (GRCh38, 1-based): chr11:117,344,171-117,344,172, CT deleted; deleting any 2 consecutive bases within chr11:117,344,170-117,344,172 gives the same sequence; the c. name uses the placement nearest the transcript's 3' end. VCF-style (leftmost placement, unchanged base first): chr11-117344169-TTC-T. GRCh37 (hg19) VCF-style: chr11-117214885-TTC-T.
Other names: c.88_89del, p.Ile29_Leu30insTer (NM_001271933.2).
Identifiers: ClinVar variation 2754654 (VCV002754654.3), dbSNP rs2540458943, ClinGen allele CA2697558962.
Genomic context (GRCh38, chr11:117,344,169, plus strand): 5'-TGAGTTTTTTTCTTCTTTTCATCTCTCTTACTTTCCCACCTCTGCCTCTCCTTGCAGAAA[TTC>T]TTGAATTTGCCCGGGAGATTGGTATTGATCCCATCAAGGAACCAGAACTGATGTGGCTGG-3'